The following is an entry in ClinVar:

NM_031935.3(HMCN1):c.15613C>T (p.Arg5205Cys)

Gene: HMCN1 (hemicentin 1; plus strand). Cytogenetic location: 1q31.1.
Variant type: single nucleotide variant.
Coding change: c.15613C>T on transcript NM_031935.3 (MANE Select); coding-DNA position 15613, C replaced by T.
Protein change: p.Arg5205Cys; replaces arginine 5205 with cysteine.
Molecular consequence: missense variant.
Genome position (GRCh38, 1-based): chr1:186,171,375, C>T. VCF-style: chr1-186171375-C-T. GRCh37 (hg19) VCF-style: chr1-186140507-C-T.
Other names: short protein forms R5205C.
Identifiers: ClinVar variation 3284462 (VCV003284462.3).
Genomic context (GRCh38, chr1:186,171,375, plus strand): 5'-AAAGTTTTGTTTTATTTAACAGATATTAATGAATGTCAAGAATCCAGCCCCTGTCACCAG[C>T]GCTGTTTCAATGCCATAGGAAGTTTCCATTGTGGATGTGAACCTGGGTATCAGCTCAAAG-3'
Protein context (NP_114141.2, residues 5195-5215): ECQESSPCHQ[Arg5205Cys]CFNAIGSFHC

ClinVar aggregate classification (germline): Uncertain significance. Review status: criteria provided, multiple submitters, no conflicts (2 of 4 stars). 2 submissions from 2 submitters: Uncertain significance (2). Last evaluated 2025-10-28.

gnomAD v4.1: 65 of 1,613,350 alleles (0.004%); highest among the groups gnomAD compares: South Asian, 0.024%; no homozygotes.

Submissions (2):

Labcorp Genetics (formerly Invitae), Labcorp
Classification: Uncertain significance. Last evaluated: 2025-10-28. Review status: criteria provided, single submitter. Criteria: Invitae Variant Classification Sherloc (09022015). Collection method: clinical testing. Allele origin: germline.
Comment: This sequence change replaces arginine, which is basic and polar, with cysteine, which is neutral and slightly polar, at codon 5205 of the HMCN1 protein (p.Arg5205Cys). This variant is present in population databases (rs151210911, gnomAD 0.02%). This variant has not been reported in the literature in individuals affected with HMCN1-related conditions. ClinVar contains an entry for this variant (Variation ID: 3284462). An algorithm developed to predict the effect of missense changes on protein structure and function (PolyPhen-2) suggests that this variant is likely to be tolerated. In summary, the available evidence is currently insufficient to determine the role of this variant in disease. Therefore, it has been classified as a Variant of Uncertain Significance.

Ambry Genetics
Classification: Uncertain significance. Last evaluated: 2024-05-20. Review status: criteria provided, single submitter. Criteria: Ambry Variant Classification Scheme 2023. Collection method: clinical testing. Allele origin: germline.